The following is an entry in ClinVar:

NM_001184.4(ATR):c.1066T>G (p.Phe356Val)

Gene: ATR (ATR checkpoint kinase; minus strand). Cytogenetic location: 3q23.
Variant type: single nucleotide variant.
Coding change: c.1066T>G on transcript NM_001184.4 (MANE Select); coding-DNA position 1066, T replaced by G.
Protein change: p.Phe356Val; replaces phenylalanine 356 with valine.
Molecular consequence: missense variant.
Genome position (GRCh38, 1-based): chr3:142,562,336, A>C on the plus strand (T>G on the coding strand, the complement: ATR is on the minus strand). VCF-style: chr3-142562336-A-C. GRCh37 (hg19) VCF-style: chr3-142281178-A-C.
Other names: c.1066T>G, p.Phe356Val (NM_001354579.2); short protein forms F356V.
Identifiers: ClinVar variation 1782038 (VCV001782038.2), dbSNP rs2473425495, ClinGen allele CA354823823.

ClinVar aggregate classification (germline): Uncertain significance (1 of 4 stars; one submission).

Conditions:
Inborn genetic diseases. Identifiers: MedGen C0950123, MeSH D030342.

Submission:

Ambry Genetics
Classification: Uncertain significance for Inborn genetic diseases. Last evaluated: 2021-07-02. Review status: criteria provided, single submitter. Criteria: Ambry Variant Classification Scheme 2023. Collection method: clinical testing. Allele origin: germline.
Comment: The p.F356V variant (also known as c.1066T>G), located in coding exon 4 of the ATR gene, results from a T to G substitution at nucleotide position 1066. The phenylalanine at codon 356 is replaced by valine, an amino acid with highly similar properties. This amino acid position is conserved. In addition, this alteration is predicted to be tolerated by in silico analysis. Since supporting evidence is limited at this time, the clinical significance of this alteration remains unclear.